The following is an entry in ClinVar:

NM_001297.5(CNGB1):c.2206C>T (p.Arg736Cys)

Gene: CNGB1 (cyclic nucleotide gated channel subunit beta 1; minus strand). Cytogenetic location: 16q21.
Variant type: single nucleotide variant.
Coding change: c.2206C>T on transcript NM_001297.5 (MANE Select); coding-DNA position 2206, C replaced by T.
Protein change: p.Arg736Cys; replaces arginine 736 with cysteine.
Molecular consequence: missense variant.
Genome position (GRCh38, 1-based): chr16:57,916,140, G>A on the plus strand (C>T on the coding strand, the complement: CNGB1 is on the minus strand). VCF-style: chr16-57916140-G-A. GRCh37 (hg19) VCF-style: chr16-57950044-G-A.
Other names: c.2188C>T, p.Arg730Cys (NM_001286130.2); short protein forms R730C, R736C.
Identifiers: ClinVar variation 970699 (VCV000970699.12), dbSNP rs569502373, ClinGen allele CA8083123.
Genomic context (GRCh38, chr16:57,916,140, plus strand): 5'-CCCCTTCTGAAACCCCGCAGACGCTAAACCTTGCATGCCCGGCACACACCTTGAAGCGGC[G>A]AGACTTCAGGTAGTTATTTCGCATGTCCTTTTTGTCCGTCTGAAAGAAAGGGAATGATGA-3'
Protein context (NP_001288.3, residues 726-746): KDMRNNYLKS[Arg736Cys]RFKMDLLSLL

ClinVar aggregate classification (germline): Uncertain significance. Review status: criteria provided, multiple submitters, no conflicts (2 of 4 stars). 4 submissions from 4 submitters: Uncertain significance (4). Last evaluated 2024-11-10.

Conditions:
Inborn genetic diseases. Identifiers: MedGen C0950123, MeSH D030342.
Retinal dystrophy. Also called: Inherited retinal dystrophy. Identifiers: Orphanet 71862, MedGen C0854723, MeSH D058499, MONDO:0019118, HP:0000556.

Allele frequency attached by ClinVar (database versions not stated): gnomAD 0.00004; TOPMed 0.00005; gnomAD exomes 0.00007 and 0.00010; ExAC 0.00013; 1000 Genomes Project 30x 0.00016; 1000 Genomes Project 0.00020.
gnomAD v4.1: 103 of 1,614,028 alleles (0.0064%); highest among the groups gnomAD compares: South Asian, 0.036%; no homozygotes.

Submissions (4):

Labcorp Genetics (formerly Invitae), Labcorp
Classification: Uncertain significance. Last evaluated: 2024-11-10. Review status: criteria provided, single submitter. Criteria: Invitae Variant Classification Sherloc (09022015). Collection method: clinical testing. Allele origin: germline.
Comment: This sequence change replaces arginine, which is basic and polar, with cysteine, which is neutral and slightly polar, at codon 736 of the CNGB1 protein (p.Arg736Cys). This variant is present in population databases (rs569502373, gnomAD 0.05%). This variant has not been reported in the literature in individuals affected with CNGB1-related conditions. ClinVar contains an entry for this variant (Variation ID: 970699). Invitae Evidence Modeling of protein sequence and biophysical properties (such as structural, functional, and spatial information, amino acid conservation, physicochemical variation, residue mobility, and thermodynamic stability) indicates that this missense variant is not expected to disrupt CNGB1 protein function with a negative predictive value of 80%. In summary, the available evidence is currently insufficient to determine the role of this variant in disease. Therefore, it has been classified as a Variant of Uncertain Significance.

Blueprint Genetics
Classification: Uncertain significance. Last evaluated: 2024-04-17. Review status: criteria provided, single submitter. Criteria: ACMG Guidelines, 2015. Collection method: clinical testing. Allele origin: germline.

Dept Of Ophthalmology, Nagoya University
Classification: Uncertain significance for Retinal dystrophy. Last evaluated: 2023-10-01. Review status: criteria provided, single submitter. Criteria: Submitter's publication. Collection method: research. Allele origin: germline. Affected: yes.

Ambry Genetics
Classification: Uncertain significance for Inborn genetic diseases. Last evaluated: 2022-10-27. Review status: criteria provided, single submitter. Criteria: Ambry Variant Classification Scheme 2023. Collection method: clinical testing. Allele origin: germline.